The following is an entry in ClinVar:

ClinVar aggregate classification (germline): Uncertain significance. Review status: criteria provided, single submitter (1 of 4 stars). 2 submissions from 2 submitters: Uncertain significance (1). 1 of the submissions does not count toward it. Last evaluated 2021-08-13.

Conditions:
Primary ciliary dyskinesia. Also called: Ciliary dyskinesia. Identifiers: Orphanet 244, MedGen C0008780, MONDO:0016575, HP:0012265.

Submissions (2):

Labcorp Genetics (formerly Invitae), Labcorp
Classification: Uncertain significance for Primary ciliary dyskinesia. Last evaluated: 2021-08-13. Review status: criteria provided, single submitter. Criteria: Invitae Variant Classification Sherloc (09022015). Collection method: clinical testing. Allele origin: germline.
Comment: This sequence change replaces serine with proline at codon 1798 of the DNAH5 protein (p.Ser1798Pro). The serine residue is moderately conserved and there is a moderate physicochemical difference between serine and proline. This variant is not present in population databases (ExAC no frequency). This missense change has been observed in individual(s) with clinical features of DNAH5-related conditions (Invitae). ClinVar contains an entry for this variant (Variation ID: 407256). Algorithms developed to predict the effect of missense changes on protein structure and function are either unavailable or do not agree on the potential impact of this missense change (SIFT: "Tolerated"; PolyPhen-2: "Possibly Damaging"; Align-GVGD: "Class C0"). In summary, the available evidence is currently insufficient to determine the role of this variant in disease. Therefore, it has been classified as a Variant of Uncertain Significance.

Natera, Inc.
Classification: Uncertain significance for Primary ciliary dyskinesia. Last evaluated: 2020-03-11. Review status: no assertion criteria provided. Collection method: clinical testing. Allele origin: germline. Not counted in ClinVar's aggregate classification.

NM_001369.3(DNAH5):c.5392T>C (p.Ser1798Pro)

Gene: DNAH5 (dynein axonemal heavy chain 5; minus strand). Cytogenetic location: 5p15.2.
Variant type: single nucleotide variant.
Coding change: c.5392T>C on transcript NM_001369.3 (MANE Select); coding-DNA position 5392, T replaced by C.
Protein change: p.Ser1798Pro; replaces serine 1798 with proline.
Molecular consequence: missense variant.
Genome position (GRCh38, 1-based): chr5:13,841,784, A>G on the plus strand (T>C on the coding strand, the complement: DNAH5 is on the minus strand). VCF-style: chr5-13841784-A-G. GRCh37 (hg19) VCF-style: chr5-13841893-A-G.
Other names: short protein forms S1798P.
Identifiers: ClinVar variation 407256 (VCV000407256.3), dbSNP rs1060501468, ClinGen allele CA16611811.